The following is an entry in ClinVar:

ClinVar aggregate classification (germline): Likely benign. Review status: criteria provided, multiple submitters, no conflicts (2 of 4 stars). 2 submissions from 2 submitters: Likely benign (2). Last evaluated 2022-04-07.

Submissions (2):

Women's Health and Genetics/Laboratory Corporation of America, LabCorp
Classification: Likely benign. Last evaluated: 2022-04-07. Review status: criteria provided, single submitter. Criteria: LabCorp Variant Classification Summary - May 2015. Collection method: clinical testing. Allele origin: germline.
Comment: Variant summary: LIPN c.302delG (p.Gly101GlufsX7) results in a premature termination codon, predicted to cause a truncation of the encoded protein or absence of the protein due to nonsense mediated decay. The variant allele was found at a frequency of 0.00021 in 248456 control chromosomes. This frequency is not significantly higher than expected for a pathogenic variant in LIPN causing Lamellar Ichthyosis (0.00021 vs 0.00025), allowing no conclusion about variant significance. To our knowledge, no occurrence of c.302delG in individuals affected with Lamellar Ichthyosis and no experimental evidence demonstrating its impact on protein function have been reported. However, this variant has been found in three unaffected family members in homozygous state (Shamia_2015). One clinical diagnostic laboratory has submitted clinical-significance assessments for this variant to ClinVar after 2014 without evidence for independent evaluation and classified the variant as likely benign. Based on the evidence outlined above, the variant was classified as likely benign.

Labcorp Genetics (formerly Invitae), Labcorp
Classification: Likely benign. Last evaluated: 2021-12-12. Review status: criteria provided, single submitter. Criteria: Invitae Variant Classification Sherloc (09022015). Collection method: clinical testing. Allele origin: germline.

Literature cited by the submitters: PubMed 26141664 (cited by Women's Health and Genetics/Laboratory Corporation of America, LabCorp).

NM_001102469.2(LIPN):c.302del (p.Gly101fs)

Gene: LIPN (lipase family member N; plus strand). Cytogenetic location: 10q23.31.
Variant type: Deletion.
Coding change: c.302del on transcript NM_001102469.2 (MANE Select); coding-DNA position 302, one base deleted (G; older notation c.302delG).
Protein change: p.Gly101fs; shifts the reading frame from glycine 101.
Molecular consequence: frameshift variant.
Genome position (GRCh38, 1-based): chr10:88,764,485, G deleted; the last of 2 consecutive G bases (chr10:88,764,484-88,764,485); deleting either gives the same sequence. VCF-style (leftmost placement, unchanged base first): chr10-88764483-TG-T. GRCh37 (hg19) VCF-style: chr10-90524240-TG-T.
Other names: c.302delG (NM_001102469.1); short protein forms G101fs.
Identifiers: ClinVar variation 731662 (VCV000731662.8), dbSNP rs770938795, ClinGen allele CA5591829.